The following is an entry in ClinVar:

NM_000517.6(HBA2):c.301-12_*57del

Genes: HBA2 (hemoglobin subunit alpha 2; plus strand), LOC106804612 (hemoglobin subunit alpha 2 recombination region; plus strand). Cytogenetic location: 16p13.3.
Variant type: Deletion.
Coding change: c.301-12_*57del on transcript NM_000517.6 (MANE Select); 12 bases into the intron before coding-DNA position 301 through 57 bases downstream of the stop codon, 198 bases deleted.
Molecular consequence: splice acceptor variant.
Genome position (GRCh38, 1-based): chr16:173,460-173,657, 198 bases deleted. GRCh37 (hg19): chr16:223,459-223,656.
Identifiers: ClinVar variation 4818658 (VCV004818658.1).

ClinVar aggregate classification (germline): Likely pathogenic (1 of 4 stars; one submission).

Conditions:
alpha Thalassemia. Also called: Alpha thalassemia spectrum. Identifiers: Orphanet 846, MedGen C0002312, MONDO:0011399, OMIM 604131.

Submission:

Natera, Inc.
Classification: Likely pathogenic for Alpha thalassemia. Last evaluated: 2025-12-14. Review status: criteria provided, single submitter. Criteria: Natera Variant Classification Schema (03/2026). Collection method: clinical testing. Allele origin: germline.
Comment: The c.301-12_*57del variant in HBA2 is a deletion variant affecting intronic and coding regions. This variant is expected to result in nonsense mediated decay, truncation, or a dysfunctional protein product. This variant is rare in the general population with a frequency below the threshold expected for the associated phenotype(s). Another variant at this same site results in an alteration predicted to cause a similar molecular effect has been observed in individual(s) with the associated phenotype. Given the available evidence, this variant is classified as Likely Pathogenic.